The following is an entry in ClinVar:

ClinVar aggregate classification (germline): Uncertain significance (1 of 4 stars; one submission).

Conditions:
Neuroblastoma, susceptibility to, 3. Also called: ALK-Related Neuroblastic Tumor Susceptibility. Identifiers: Orphanet 635, MedGen C2751681, MONDO:0013083, OMIM 613014.

Submission:

Labcorp Genetics (formerly Invitae), Labcorp
Classification: Uncertain significance for Neuroblastoma, susceptibility to, 3. Last evaluated: 2024-12-16. Review status: criteria provided, single submitter. Criteria: Invitae Variant Classification Sherloc (09022015). Collection method: clinical testing. Allele origin: germline.
Comment: This sequence change creates a premature translational stop signal (p.Val132Alafs*89) in the ALK gene. It is expected to result in an absent or disrupted protein product. However, the current clinical and genetic evidence is not sufficient to establish whether loss-of-function variants in ALK cause disease. This variant is not present in population databases (gnomAD no frequency). This variant has not been reported in the literature in individuals affected with ALK-related conditions. ClinVar contains an entry for this variant (Variation ID: 2816078). Experimental studies and prediction algorithms are not available or were not evaluated, and the functional significance of this variant is currently unknown. In summary, the available evidence is currently insufficient to determine the role of this variant in disease. Therefore, it has been classified as a Variant of Uncertain Significance.

NM_004304.5(ALK):c.395_408del (p.Val132fs)

Gene: ALK (ALK receptor tyrosine kinase; minus strand). Cytogenetic location: 2p23.1.
Variant type: Deletion.
Coding change: c.395_408del on transcript NM_004304.5 (MANE Select); coding-DNA positions 395 to 408, 14 bases deleted (TGCGCAAGCTCCGG).
Protein change: p.Val132fs; shifts the reading frame from valine 132.
Molecular consequence: frameshift variant.
Genome position (GRCh38, 1-based): chr2:29,920,252-29,920,265, CCGGAGCTTGCGCA deleted on the plus strand (TGCGCAAGCTCCGG on the coding strand, the reverse complement: ALK is on the minus strand); deleting any 14 consecutive bases within chr2:29,920,252-29,920,266 gives the same sequence; the c. name uses the placement nearest the transcript's 3' end. VCF-style (leftmost placement, unchanged base first): chr2-29920251-GCCGGAGCTTGCGCA-G. GRCh37 (hg19) VCF-style: chr2-30143117-GCCGGAGCTTGCGCA-G.
Other names: short protein forms V132fs.
Identifiers: ClinVar variation 2816078 (VCV002816078.3), dbSNP rs2465866163, ClinGen allele CA2739274302.
Genomic context (GRCh38, chr2:29,920,251, plus strand): 5'-GCCCGACGCAACCCTCCAAGATCGCCTCCTCGCCCAGCTCCAGCACCAACTGCTTGGCAC[GCCGGAGCTTGCGCA>G]CGGAGCCGCCCTTCAGCACCCTGGACAGCGTCCGGGCCTCTGCCGGGGCTGGTGAACCGG-3'